The following is an entry in ClinVar:

NM_002474.3(MYH11):c.3578A>G (p.Gln1193Arg)

Gene: MYH11 (myosin heavy chain 11; minus strand). Cytogenetic location: 16p13.11.
Variant type: single nucleotide variant.
Coding change: c.3578A>G on transcript NM_002474.3 (MANE Select); coding-DNA position 3578, A replaced by G.
Protein change: p.Gln1193Arg; replaces glutamine 1193 with arginine.
Molecular consequence: missense variant.
Genome position (GRCh38, 1-based): chr16:15,732,637, T>C on the plus strand (A>G on the coding strand, the complement: MYH11 is on the minus strand). VCF-style: chr16-15732637-T-C. GRCh37 (hg19) VCF-style: chr16-15826494-T-C.
Other names: c.3599A>G, p.Gln1200Arg (NM_001040113.2, NM_001040114.2); c.3578A>G, p.Gln1193Arg (NM_022844.3); short protein forms Q1193R, Q1200R.
Identifiers: ClinVar variation 4114597 (VCV004114597.1).

ClinVar aggregate classification (germline): Uncertain significance (1 of 4 stars; one submission).

Conditions:
Familial thoracic aortic aneurysm and aortic dissection (TAAD). Also called: Thoracic aortic aneurysms and dissections. Identifiers: Orphanet 91387, MedGen C4707243, MONDO:0019625.

Submission:

Ambry Genetics
Classification: Uncertain significance for Familial thoracic aortic aneurysm and aortic dissection. Last evaluated: 2025-08-30. Review status: criteria provided, single submitter. Criteria: Ambry Variant Classification Scheme 2023. Collection method: clinical testing. Allele origin: germline.
Comment: The p.Q1193R variant (also known as c.3578A>G), located in coding exon 26 of the MYH11 gene, results from an A to G substitution at nucleotide position 3578. The glutamine at codon 1193 is replaced by arginine, an amino acid with highly similar properties. This amino acid position is conserved. In addition, this alteration is predicted to be deleterious by in silico analysis. Based on the available evidence, the clinical significance of this variant remains unclear.